The following is an entry in ClinVar:

NM_003742.4(ABCB11):c.2178+1G>T

Gene: ABCB11 (ATP binding cassette subfamily B member 11; minus strand). Cytogenetic location: 2q31.1.
Variant type: single nucleotide variant.
Coding change: c.2178+1G>T on transcript NM_003742.4 (MANE Select); the canonical splice donor site of the intron after coding-DNA position 2178, G replaced by T.
Molecular consequence: splice donor variant.
Genome position (GRCh38, 1-based): chr2:168,964,205, C>A on the plus strand (G>T on the coding strand, the complement: ABCB11 is on the minus strand). VCF-style: chr2-168964205-C-A. GRCh37 (hg19) VCF-style: chr2-169820715-C-A.
Identifiers: ClinVar variation 2679906 (VCV002679906.7), dbSNP rs1459273753, ClinGen allele CA349108982.

ClinVar aggregate classification (germline): Pathogenic. Review status: criteria provided, multiple submitters, no conflicts (2 of 4 stars). 5 submissions from 5 submitters: Pathogenic (5). Last evaluated 2026-04-14.

Conditions:
Progressive familial intrahepatic cholestasis type 2. Identifiers: Orphanet 79304, MedGen C3489789, MONDO:0011156, OMIM 601847.
ABCB11-related disorder. Also called: ABCB11-related condition.
Familial intrahepatic cholestasis. Identifiers: Orphanet 284385, MedGen CN296401, MONDO:0017290.
Benign recurrent intrahepatic cholestasis type 2 (BRIC2). Also called: Recurrent familial intrahepatic cholestasis 2. Identifiers: Orphanet 65682, Orphanet 99961, MedGen C2608083, MONDO:0011559, OMIM 605479.

Submissions (5):

Genomenon, Inc
Classification: Pathogenic for Familial intrahepatic cholestasis. Last evaluated: 2026-04-14. Review status: criteria provided, single submitter. Criteria: Genomenon Sequence Variant Interpretation Standards - Updated. Collection method: curation. Allele origin: germline. Affected: yes.
Comment: ABCB11 c.2178+1G>T is a canonical splice variant affecting the donor splice site of intron 18. It is predicted to affect mRNA splicing, leading to a deleterious effect on the ABCB11 protein. This variant has been observed in at least one proband with an ABCB11-related disorder (PMID:21490445;24627769). The variant was found to segregate with disease in at least one affected family (PMID:21490445). It is absent or not present at a significant frequency in gnomAD. In conclusion, we classify ABCB11 c.2178+1G>T as a pathogenic variant.

Natera, Inc.
Classification: Pathogenic for Progressive familial intrahepatic cholestasis type 2. Last evaluated: 2024-10-16. Review status: criteria provided, single submitter. Criteria: Natera Variant Classification Schema (03/2026). Collection method: clinical testing. Allele origin: germline.
Comment: The c.2178+1G>T variant in ABCB11 is a canonical splice donor site variant predicted to affect pre-mRNA splicing, which may result in an abnormal transcript and altered protein product. This variant is expected to result in nonsense mediated decay, truncation, or a dysfunctional protein product. This variant is rare in the general population with a frequency below the threshold expected for the associated phenotype(s). This variant has been observed in one or more individuals affected with the associated recessive disease, as either homozygous or compound heterozygous with a second variant (PMID: 18395098). Given the available evidence, this variant is classified as Pathogenic.

Baylor Genetics
Classification: Pathogenic for Benign recurrent intrahepatic cholestasis type 2. Last evaluated: 2023-09-09. Review status: criteria provided, single submitter. Criteria: ACMG Guidelines, 2015. Collection method: clinical testing. Allele origin: unknown.

Labcorp Genetics (formerly Invitae), Labcorp
Classification: Pathogenic. Last evaluated: 2022-11-14. Review status: criteria provided, single submitter. Criteria: Invitae Variant Classification Sherloc (09022015). Collection method: clinical testing. Allele origin: germline.
Comment: Disruption of this splice site has been observed in individuals with progressive familial intrahepatic cholestasis (PMID: 18395098). This sequence change affects a donor splice site in intron 18 of the ABCB11 gene. It is expected to disrupt RNA splicing. Variants that disrupt the donor or acceptor splice site typically lead to a loss of protein function (PMID: 16199547), and loss-of-function variants in ABCB11 are known to be pathogenic (PMID: 18395098, 20232290). This variant is not present in population databases (gnomAD no frequency). Algorithms developed to predict the effect of sequence changes on RNA splicing suggest that this variant may disrupt the consensus splice site. For these reasons, this variant has been classified as Pathogenic.

Blueprint Genetics
Classification: Pathogenic for ABCB11-related disorders. Last evaluated: 2020-12-29. Review status: criteria provided, single submitter. Criteria: ACMG Guidelines, 2015. Collection method: clinical testing. Allele origin: germline. Affected: yes. Observed: 2 variant alleles.

Literature cited by the submitters: PubMed 21490445 (cited by Genomenon, Inc); PubMed 24627769 (cited by Genomenon, Inc); PubMed 18395098 (cited by Natera, Inc. and Labcorp Genetics (formerly Invitae), Labcorp); PubMed 16199547 (cited by Labcorp Genetics (formerly Invitae), Labcorp); PubMed 20232290 (cited by Labcorp Genetics (formerly Invitae), Labcorp).